The following is an entry in ClinVar:

ClinVar aggregate classification (germline): Uncertain significance (1 of 4 stars; one submission).

Conditions:
Nephronophthisis. Also called: Juvenile Nephronophthisis. Identifiers: Orphanet 655, MedGen C0687120, MONDO:0019005, HP:0000090.

Allele frequency attached by ClinVar (database versions not stated): TOPMed below 0.00001.

Submission:

Labcorp Genetics (formerly Invitae), Labcorp
Classification: Uncertain significance for Nephronophthisis. Last evaluated: 2020-12-28. Review status: criteria provided, single submitter. Criteria: Invitae Variant Classification Sherloc (09022015). Collection method: clinical testing. Allele origin: germline.
Comment: Algorithms developed to predict the effect of missense changes on protein structure and function are either unavailable or do not agree on the potential impact of this missense change (SIFT: "Deleterious"; PolyPhen-2: "Possibly Damaging"; Align-GVGD: "Class C0"). In summary, the available evidence is currently insufficient to determine the role of this variant in disease. Therefore, it has been classified as a Variant of Uncertain Significance. This variant has not been reported in the literature in individuals with NPHP1-related conditions. This variant is not present in population databases (ExAC no frequency). This sequence change replaces asparagine with serine at codon 460 of the NPHP1 protein (p.Asn460Ser). The asparagine residue is highly conserved and there is a small physicochemical difference between asparagine and serine.

NM_001128178.3(NPHP1):c.1211A>G (p.Asn404Ser)

Gene: NPHP1 (nephrocystin 1; minus strand). Cytogenetic location: 2q13.
Variant type: single nucleotide variant.
Coding change: c.1211A>G on transcript NM_001128178.3 (MANE Select); coding-DNA position 1211, A replaced by G.
Protein change: p.Asn404Ser; replaces asparagine 404 with serine.
Molecular consequence: missense variant.
Genome position (GRCh38, 1-based): chr2:110,147,974, T>C on the plus strand (A>G on the coding strand, the complement: NPHP1 is on the minus strand). VCF-style: chr2-110147974-T-C. GRCh37 (hg19) VCF-style: chr2-110905551-T-C.
Other names: c.1379A>G, p.Asn460Ser (NM_000272.5); c.1022A>G, p.Asn341Ser (NM_001128179.3); c.1208A>G, p.Asn403Ser (NM_001374256.1); c.1211A>G, p.Asn404Ser (NM_001374257.1); c.1376A>G, p.Asn459Ser (NM_207181.4); short protein forms N341S, N403S, N459S, N404S, N460S.
Identifiers: ClinVar variation 1471937 (VCV001471937.8), dbSNP rs1681187580, ClinGen allele CA348087908.